The following is an entry in ClinVar:

ClinVar aggregate classification (germline): Uncertain significance. Review status: criteria provided, multiple submitters, no conflicts (2 of 4 stars). 5 submissions from 5 submitters: Uncertain significance (5). Last evaluated 2026-05-01.

Allele frequency attached by ClinVar (database versions not stated): gnomAD 0.00001; gnomAD exomes 0.00001; TOPMed 0.00001; ExAC 0.00002.
gnomAD v4.1: 18 of 1,610,234 alleles (0.0011%); highest among the groups gnomAD compares: Non-Finnish European, 0.0014%; no homozygotes.

Submissions (5):

CeGaT Center for Human Genetics Tuebingen
Classification: Uncertain significance. Last evaluated: 2026-05-01. Review status: criteria provided, single submitter. Criteria: CeGaT Center For Human Genetics Tuebingen Variant Classification Criteria Version 2. Collection method: clinical testing. Allele origin: germline. Affected: yes. Observed: 1 variant allele.
Comment: TTN: PM2

Women's Health and Genetics/Laboratory Corporation of America, LabCorp
Classification: Uncertain significance. Last evaluated: 2025-06-19. Review status: criteria provided, single submitter. Criteria: LabCorp Variant Classification Summary - May 2015. Collection method: clinical testing. Allele origin: germline.
Comment: Variant summary: TTN c.91312G>A (p.Glu30438Lys) results in a conservative amino acid change in the encoded protein sequence. Algorithms developed to predict the effect of missense changes on protein structure and function are either unavailable or do not agree on the potential impact of this missense change. The variant allele was found at a frequency of 1.2e-05 in 246674 control chromosomes. The available data on variant occurrences in the general population are insufficient to allow any conclusion about variant significance. c.91312G>A has been observed in individual(s) affected with Cardiomyopathy, dilated (example: Mazzarotto_2020). These report(s) do not provide unequivocal conclusions about association of the variant with Autosomal Recessive Titinopathy. To our knowledge, no experimental evidence demonstrating an impact on protein function has been reported. The following publication has been ascertained in the context of this evaluation (PMID: 31983221). ClinVar contains an entry for this variant (Variation ID: 191834). Based on the evidence outlined above, the variant was classified as uncertain significance.

Eurofins Ntd Llc (ga)
Classification: Uncertain significance. Last evaluated: 2015-08-18. Review status: criteria provided, single submitter. Criteria: EGL Classification Definitions 2015. Collection method: clinical testing. Allele origin: germline. Observed: 1 variant allele, 1 heterozygote.

GeneDx
Classification: Uncertain significance. Last evaluated: 2014-12-05. Review status: criteria provided, single submitter. Criteria: GeneDx Variant Classification (06012015). Collection method: clinical testing. Allele origin: germline. Affected: yes.
Comment: Missense variants in the TTN gene are considered 'unclassified' if they are not previously reported in the literature and do not have >1% frequency in the population to be considered a polymorphism. Research indicates that truncating mutations in the TTN gene are expected to account for approximately 25% of familial and 18% of sporadic idiopathic DCM; however, truncating variants in the TTN gene have been reported in approximately 3% of reported control alleles. There has been little investigation into non-truncating variants. (Herman D et al. Truncations of titin causing dilated cardiomyopathy. N Eng J Med 366:619-628, 2012) The variant is found in CARDIOMYOPATHY panel(s).

Biesecker Lab/Clinical Genomics Section, National Institutes of Health
Classification: Uncertain significance. Last evaluated: 2013-06-24. Review status: criteria provided, single submitter. Criteria: Ng et al. (Circ Cardiovasc Genet. 2013). Collection method: research. Allele origin: unknown. Observed: 1 variant allele. Study: ClinSeq.
Comment: The study set was not selected for affection status in relation to any cancer. Pathogenicity categories were based on literature curation. See Pubmed ID:23861362 for details.

Medical sequencing

Literature cited by the submitters: PubMed 31983221 (cited by Women's Health and Genetics/Laboratory Corporation of America, LabCorp).

NM_001267550.2(TTN):c.99016G>A (p.Glu33006Lys)

Genes: TTN (titin; minus strand), TTN-AS1 (TTN antisense RNA 1; plus strand). Cytogenetic location: 2q31.2.
Variant type: single nucleotide variant.
Coding change: c.99016G>A on transcript NM_001267550.2 (MANE Select); coding-DNA position 99016, G replaced by A.
Protein change: p.Glu33006Lys; replaces glutamic acid 33006 with lysine.
Molecular consequence: missense variant. On other transcripts: non-coding transcript variant (1).
Genome position (GRCh38, 1-based): chr2:178,538,813, C>T on the plus strand (G>A on the coding strand, the complement: TTN is on the minus strand). VCF-style: chr2-178538813-C-T. GRCh37 (hg19) VCF-style: chr2-179403540-C-T.
Other names: p.E31365K:GAG>AAG; c.94093G>A, p.Glu31365Lys (NM_001256850.1); c.71821G>A, p.Glu23941Lys (NM_003319.4); c.91312G>A, p.Glu30438Lys (NM_133378.4); c.72196G>A, p.Glu24066Lys (NM_133432.3); c.72397G>A, p.Glu24133Lys (NM_133437.4); short protein forms E30438K, E33006K, E31365K, E23941K, E24066K, E24133K.
Identifiers: ClinVar variation 191834 (VCV000191834.22), dbSNP rs201931674, ClinGen allele CA302395.
Genomic context (GRCh38, chr2:178,538,813, plus strand): 5'-CATCACATTCAGGTTTCTCCCACTGTAGAGTGACACTATCTTTGGATATTGAAAGAATCT[C>T]AAGTTCTCCTGGTTGGCTTGGTTTATCTGAAATATTTTAAAATAATGAAAAGGGAGTCAG-3'
Protein context (NP_001254479.2, residues 32996-33016): FDKPSQPGEL[Glu33006Lys]ILSISKDSVT